The following is an entry in ClinVar:

ClinVar aggregate classification (germline): Uncertain significance (1 of 4 stars; one submission).

gnomAD v4.1: 3 of 1,614,234 alleles (0.00019%); highest among the groups gnomAD compares: Non-Finnish European, 0.00017%; no homozygotes.

Submission:

Ambry Genetics
Classification: Uncertain significance. Last evaluated: 2025-01-17. Review status: criteria provided, single submitter. Criteria: Ambry Variant Classification Scheme 2023. Collection method: clinical testing. Allele origin: germline.
Comment: The p.V1371M variant (also known as c.4111G>A), located in coding exon 14 of the CDK12 gene, results from a G to A substitution at nucleotide position 4111. The valine at codon 1371 is replaced by methionine, an amino acid with highly similar properties. This amino acid position is conserved. In addition, this alteration is predicted to be tolerated by in silico analysis. Based on the available evidence, the clinical significance of this variant remains unclear.

NM_016507.4(CDK12):c.4111G>A (p.Val1371Met)

Gene: CDK12 (cyclin dependent kinase 12; plus strand). Cytogenetic location: 17q12.
Variant type: single nucleotide variant.
Coding change: c.4111G>A on transcript NM_016507.4 (MANE Select); coding-DNA position 4111, G replaced by A.
Protein change: p.Val1371Met; replaces valine 1371 with methionine.
Molecular consequence: missense variant.
Genome position (GRCh38, 1-based): chr17:39,530,954, G>A. VCF-style: chr17-39530954-G-A. GRCh37 (hg19) VCF-style: chr17-37687207-G-A.
Other names: c.4084G>A, p.Val1362Met (NM_015083.4); short protein forms V1362M, V1371M.
Identifiers: ClinVar variation 3830524 (VCV003830524.1).